The following is an entry in ClinVar:

ClinVar aggregate classification (germline): Uncertain significance (1 of 4 stars; one submission).

Conditions:
Tuberous sclerosis 2 (TSC2). Identifiers: Orphanet 805, MedGen C1860707, MONDO:0013199, OMIM 613254.

Submission:

Labcorp Genetics (formerly Invitae), Labcorp
Classification: Uncertain significance for Tuberous sclerosis 2. Last evaluated: 2025-04-22. Review status: criteria provided, single submitter. Criteria: Invitae Variant Classification Sherloc (09022015). Collection method: clinical testing. Allele origin: germline.
Comment: This sequence change replaces phenylalanine, which is neutral and non-polar, with serine, which is neutral and polar, at codon 73 of the TSC2 protein (p.Phe73Ser). This variant is not present in population databases (gnomAD no frequency). This variant has not been reported in the literature in individuals affected with TSC2-related conditions. Invitae Evidence Modeling of protein sequence and biophysical properties (such as structural, functional, and spatial information, amino acid conservation, physicochemical variation, residue mobility, and thermodynamic stability) indicates that this missense variant is not expected to disrupt TSC2 protein function with a negative predictive value of 95%. In summary, the available evidence is currently insufficient to determine the role of this variant in disease. Therefore, it has been classified as a Variant of Uncertain Significance.

NM_000548.5(TSC2):c.218T>C (p.Phe73Ser)

Gene: TSC2 (TSC complex subunit 2; plus strand). Cytogenetic location: 16p13.3.
Variant type: single nucleotide variant.
Coding change: c.218T>C on transcript NM_000548.5 (MANE Select); coding-DNA position 218, T replaced by C.
Protein change: p.Phe73Ser; replaces phenylalanine 73 with serine.
Molecular consequence: missense variant. On other transcripts: 5 prime UTR variant (20), non-coding transcript variant (5).
Genome position (GRCh38, 1-based): chr16:2,050,479, T>C. VCF-style: chr16-2050479-T-C. GRCh37 (hg19) VCF-style: chr16-2100480-T-C.
Other names: c.-599T>C (NM_001406680.1, NM_001406683.1, NM_001406687.1); c.-228T>C (NM_001406681.1); c.-9T>C (NM_001406682.1, NM_001406684.1, NM_001406685.1 and 3 more transcripts); c.-1214T>C (NM_001406689.1, NM_001406690.1, NM_001406691.1 and 2 more transcripts); c.-1520T>C (NM_001406693.1); c.218T>C, p.Phe73Ser (NM_001077183.3, NM_001114382.3, NM_001318827.2 and 13 more transcripts); c.71T>C, p.Phe24Ser (NM_001318829.2, NM_001406675.1, NM_001406676.1 and 2 more transcripts); c.251T>C, p.Phe84Ser (NM_001318832.2); and 3 more; short protein forms F24S, F73S, F84S.
Identifiers: ClinVar variation 4802830 (VCV004802830.1).